The following is an entry in ClinVar:

NM_170707.4(LMNA):c.1157+2T>A

Gene: LMNA (lamin A/C; plus strand). Cytogenetic location: 1q22.
Variant type: single nucleotide variant.
Coding change: c.1157+2T>A on transcript NM_170707.4 (MANE Select); the canonical splice donor site of the intron after coding-DNA position 1157, T replaced by A.
Molecular consequence: splice donor variant.
Genome position (GRCh38, 1-based): chr1:156,136,123, T>A. VCF-style: chr1-156136123-T-A. GRCh37 (hg19) VCF-style: chr1-156105914-T-A.
Other names: c.1157+2T>A (NM_001406983.1, NM_001282625.2, NM_001406984.1 and 6 more transcripts); c.599+2T>A (NM_001407002.1, NM_001406993.1, NM_001407003.1 and 4 more transcripts); c.533+2T>A (NM_001406999.1, NM_001407000.1, NM_001406994.1 and 1 more transcripts); c.914+2T>A (NM_001406986.1, NM_001406987.1, NM_001282624.2); c.821+2T>A (NM_001406989.1, NM_001257374.3, NM_001406998.1); c.860+2T>A (NM_001406988.1).
Identifiers: ClinVar variation 3236851 (VCV003236851.2), dbSNP rs2527994027.

ClinVar aggregate classification (germline): Pathogenic. Review status: criteria provided, multiple submitters, no conflicts (2 of 4 stars). 2 submissions from 2 submitters: Pathogenic (2). Last evaluated 2024-06-07.

Conditions:
Primary dilated cardiomyopathy (DCM). Also called: Dilated Cardiomyopathy. Identifiers: Orphanet 217604, MedGen C0007193, MeSH D002311, MONDO:0005021, HP:0001644. Inheritance: Various modes of inheritance.

Submissions (2):

All of Us Research Program, National Institutes of Health
Classification: Pathogenic for Primary dilated cardiomyopathy. Last evaluated: 2024-06-07. Review status: criteria provided, single submitter. Criteria: ACMG Guidelines, 2015. Collection method: clinical testing. Allele origin: germline. Inheritance: Autosomal dominant inheritance. Observed: 1 variant allele, 1 heterozygote.
Comment: The c.1157+2T>A variant in the LMNA gene is located at the canonical donor splice site in intron 6. It is predicted to inflict donor loss (SpliceAI delta score: 0.99), resulting in aberrant splicing and an absent or disrupted protein product. Loss-of-function variants in LMNA gene are known to be pathogenic (PMID: 35772917). Another splicing variant c.1157+1G>A affecting the same donor site has been reported in individuals with LMNA-related conditions including dilated cardiomyopathy (Clinvar ID: 66781). This variant is absent in the general population database (gnomAD) and ClinVar. Therefore, the c.1157+2T>A variant of LMNA gene is classified as pathogenic.

This study involves interpretation of variants in research participants for the purpose of population health screening. Participant phenotype was not available at the time of variant classification. Additional details can be found in publication PMID: 35346344, PMCID: PMC8962531

Human Genome Sequencing Center Clinical Lab, Baylor College of Medicine
Classification: Pathogenic for dilated cardiomyopathy. Last evaluated: 2023-12-20. Review status: criteria provided, single submitter. Criteria: ACMG Guidelines, 2015. Collection method: clinical testing. Allele origin: unknown.

Literature cited by the submitters: PubMed 35772917 (cited by All of Us Research Program, National Institutes of Health).